The following is an entry in ClinVar:

ClinVar aggregate classification (germline): Likely benign. Review status: criteria provided, multiple submitters, no conflicts (2 of 4 stars). 3 submissions from 3 submitters: Likely benign (3). Last evaluated 2025-12-07.

Conditions:
Cardiovascular phenotype. Identifiers: MedGen CN230736.

Allele frequency attached by ClinVar (database versions not stated): TOPMed below 0.00001; gnomAD 0.00001.
gnomAD v4.1: 2 of 1,610,190 alleles (0.00012%); highest among the groups gnomAD compares: African/African-American, 0.0027%; no homozygotes.

Submissions (3):

Ambry Genetics
Classification: Likely benign for Cardiovascular phenotype. Last evaluated: 2025-12-07. Review status: criteria provided, single submitter. Criteria: Ambry Variant Classification Scheme 2023. Collection method: clinical testing. Allele origin: germline.

CeGaT Center for Human Genetics Tuebingen
Classification: Likely benign. Last evaluated: 2025-03-01. Review status: criteria provided, single submitter. Criteria: CeGaT Center For Human Genetics Tuebingen Variant Classification Criteria Version 2. Collection method: clinical testing. Allele origin: germline. Affected: yes. Observed: 1 variant allele.
Comment: PRDM5: BP4, BP7

Labcorp Genetics (formerly Invitae), Labcorp
Classification: Likely benign. Last evaluated: 2023-11-27. Review status: criteria provided, single submitter. Criteria: Invitae Variant Classification Sherloc (09022015). Collection method: clinical testing. Allele origin: germline.

NM_018699.4(PRDM5):c.1197T>G (p.Ser399=)

Gene: PRDM5 (PR/SET domain 5; minus strand). Cytogenetic location: 4q27.
Variant type: single nucleotide variant.
Coding change: c.1197T>G on transcript NM_018699.4 (MANE Select); coding-DNA position 1197, T replaced by G.
Protein change: p.Ser399=; no amino-acid change (serine 399 retained).
Molecular consequence: synonymous variant.
Genome position (GRCh38, 1-based): chr4:120,785,083, A>C on the plus strand (T>G on the coding strand, the complement: PRDM5 is on the minus strand). VCF-style: chr4-120785083-A-C. GRCh37 (hg19) VCF-style: chr4-121706238-A-C.
Other names: c.1197T>G (NM_018699.2); c.1104T>G, p.Ser368= (NM_001300823.2, NM_001300824.2, NM_001379106.1); c.1230T>G, p.Ser410= (NM_001379104.1).
Identifiers: ClinVar variation 2875795 (VCV002875795.10), dbSNP rs1452884848, ClinGen allele CA441082897.
Genomic context (GRCh38, chr4:120,785,083, plus strand): 5'-TAAAGAAAATGGGGTCCGGAACAAAGCTTTACATTCTTCACATTGGAACGGTCTCTCCTC[A>C]GAGTGGGTCTGCAGAGGAAAAACACTGAGTCAGGAGGATCTAGAATCAACCAGTCATTAC-3'
Protein context (NP_061169.2, residues 389-409): NVYKNHKKTH[Ser399=]EERPFQCEEC